The following is an entry in ClinVar:

ClinVar aggregate classification (germline): Uncertain significance (1 of 4 stars; one submission).

Conditions:
Cardiovascular phenotype. Identifiers: MedGen CN230736.

gnomAD v4.1: 1 of 1,614,126 alleles (0.000062%); highest among the groups gnomAD compares: Non-Finnish European, 0.000085%; no homozygotes.

Submission:

Ambry Genetics
Classification: Uncertain significance for Cardiovascular phenotype. Last evaluated: 2023-11-23. Review status: criteria provided, single submitter. Criteria: Ambry Variant Classification Scheme 2023. Collection method: clinical testing. Allele origin: germline.
Comment: The p.P2102L variant (also known as c.6305C>T), located in coding exon 38 of the FLNC gene, results from a C to T substitution at nucleotide position 6305. The proline at codon 2102 is replaced by leucine, an amino acid with similar properties. This amino acid position is conserved. In addition, this alteration is predicted to be deleterious by in silico analysis. Since supporting evidence is limited at this time, the clinical significance of this alteration remains unclear.

NM_001458.5(FLNC):c.6305C>T (p.Pro2102Leu)

Genes: FLNC (filamin C; plus strand), FLNC-AS1 (FLNC antisense RNA 1; minus strand). Cytogenetic location: 7q32.1.
Variant type: single nucleotide variant.
Coding change: c.6305C>T on transcript NM_001458.5 (MANE Select); coding-DNA position 6305, C replaced by T.
Protein change: p.Pro2102Leu; replaces proline 2102 with leucine.
Molecular consequence: missense variant.
Genome position (GRCh38, 1-based): chr7:128,853,565, C>T. VCF-style: chr7-128853565-C-T. GRCh37 (hg19) VCF-style: chr7-128493619-C-T.
Other names: c.6206C>T, p.Pro2069Leu (NM_001127487.2); short protein forms P2069L, P2102L.
Identifiers: ClinVar variation 3221746 (VCV003221746.1), dbSNP rs2536662199, ClinGen allele CA369212124.